The following is an entry in ClinVar:

ClinVar aggregate classification (germline): Likely pathogenic (1 of 4 stars; one submission).

Conditions:
Congenital myasthenic syndrome 12 (CMS12). Also called: MYASTHENIC SYNDROME, CONGENITAL, WITH TUBULAR AGGREGATES 1; Myasthenia, congenital, 12, with tubular aggregates. Identifiers: Orphanet 353327, Orphanet 590, MedGen C3552335, MONDO:0012518, OMIM 610542.

Submission:

Pediatric Neurology, Ankara Etlik City Hospital, Health Sciences University
Classification: Likely pathogenic for Congenital myasthenic syndrome 12. Last evaluated: 2026-04-14. Review status: criteria provided, single submitter. Criteria: ACMG Guidelines, 2015. Collection method: clinical testing. Allele origin: germline. Inheritance: Autosomal recessive inheritance. Affected: yes. Observed: 1 variant allele, 1 homozygote.
Comment: PVS1 PM2

Literature cited by the submitters: PubMed 25635128.

NM_001244710.2(GFPT1):c.762del (p.Ser253_Cys254insTer)

Gene: GFPT1 (glutamine--fructose-6-phosphate transaminase 1; minus strand). Cytogenetic location: 2p13.3.
Variant type: Deletion.
Coding change: c.762del on transcript NM_001244710.2 (MANE Select); coding-DNA position 762, one base deleted (C; older notation c.762delC).
Protein change: p.Ser253_Cys254insTer.
Molecular consequence: nonsense.
Genome position (GRCh38, 1-based): chr2:69,350,161, G deleted on the plus strand (C on the coding strand, the reverse complement: GFPT1 is on the minus strand). VCF-style (leftmost placement, unchanged base first): chr2-69350160-TG-T. GRCh37 (hg19) VCF-style: chr2-69577292-TG-T.
Other names: c.708del, p.Ser235_Cys236insTer (NM_002056.4).
Identifiers: ClinVar variation 4845283 (VCV004845283.1).